The following is an entry in ClinVar:

ClinVar aggregate classification (germline): Uncertain significance (1 of 4 stars; one submission).

Conditions:
Primary dilated cardiomyopathy (DCM). Also called: Dilated Cardiomyopathy. Identifiers: Orphanet 217604, MedGen C0007193, MeSH D002311, MONDO:0005021, HP:0001644. Inheritance: Various modes of inheritance.

Allele frequency attached by ClinVar (database versions not stated): gnomAD exomes below 0.00001; TOPMed below 0.00001.
gnomAD v4.1: 3 of 1,600,696 alleles (0.00019%); highest among the groups gnomAD compares: African/African-American, 0.0027%; no homozygotes.

Submission:

Labcorp Genetics (formerly Invitae), Labcorp
Classification: Uncertain significance for Primary dilated cardiomyopathy. Last evaluated: 2021-11-07. Review status: criteria provided, single submitter. Criteria: Invitae Variant Classification Sherloc (09022015). Collection method: clinical testing. Allele origin: germline.
Comment: This sequence change falls in intron 18 of the NEBL gene. It does not directly change the encoded amino acid sequence of the NEBL protein. It affects a nucleotide within the consensus splice site. The frequency data for this variant in the population databases is considered unreliable, as metrics indicate poor data quality at this position in the gnomAD database. This variant has not been reported in the literature in individuals affected with NEBL-related conditions. Variants that disrupt the consensus splice site are a relatively common cause of aberrant splicing (PMID: 17576681, 9536098). Algorithms developed to predict the effect of sequence changes on RNA splicing suggest that this variant may disrupt the consensus splice site. In summary, the available evidence is currently insufficient to determine the role of this variant in disease. Therefore, it has been classified as a Variant of Uncertain Significance.

Literature cited by the submitters: PubMed 17576681; PubMed 9536098.

NM_006393.3(NEBL):c.1869+5G>A

Gene: NEBL (nebulette; minus strand). Cytogenetic location: 10p12.31.
Variant type: single nucleotide variant.
Coding change: c.1869+5G>A on transcript NM_006393.3 (MANE Select); 5 bases into the intron after coding-DNA position 1869, G replaced by A.
Molecular consequence: intron variant.
Genome position (GRCh38, 1-based): chr10:20,826,442, C>T on the plus strand (G>A on the coding strand, the complement: NEBL is on the minus strand). VCF-style: chr10-20826442-C-T. GRCh37 (hg19) VCF-style: chr10-21115371-C-T.
Other names: c.250-13502G>A (NM_001377326.1, NM_001377327.1, NM_001377328.1); c.358-13502G>A (NM_213569.2, NM_001173484.2, NM_001377322.1); c.301-13502G>A (NM_001377324.1); c.292-13502G>A (NM_001377325.1); c.310-13502G>A (NM_001377323.1).
Identifiers: ClinVar variation 1487655 (VCV001487655.6), dbSNP rs1346776842, ClinGen allele CA591872588.